The following is an entry in ClinVar:

ClinVar aggregate classification (germline): Pathogenic/Likely pathogenic. Review status: criteria provided, multiple submitters, no conflicts (2 of 4 stars). 2 submissions from 2 submitters: Pathogenic (1); Likely pathogenic (1). Last evaluated 2021-03-08.

Conditions:
Inborn genetic diseases. Identifiers: MedGen C0950123, MeSH D030342.
Macrocephaly, acquired, with impaired intellectual development. Also called: MACROCEPHALY, ACQUIRED, WITH MENTAL RETARDATION. Identifiers: MedGen C4748993, MONDO:0032658, OMIM 618286.

Submissions (2):

Ambry Genetics
Classification: Pathogenic for Inborn genetic diseases. Last evaluated: 2021-03-08. Review status: criteria provided, single submitter. Criteria: Ambry Variant Classification Scheme 2023. Collection method: clinical testing. Allele origin: germline.
Comment: The c.373_376delGACA (p.D125Kfs*7) alteration, located in coding exon 2 of the NFIB gene, consists of a deletion of 4 nucleotides from position 373 to 376, causing a translational frameshift with a predicted alternate stop codon after 7 amino acids. This alteration is expected to result in loss of function by premature protein truncation or nonsense-mediated mRNA decay. Based on data from the Genome Aggregation Database (gnomAD), the NFIB c.373_376delGACA alteration was not observed, with coverage at this position. Based on the available evidence, this alteration is classified as pathogenic.

Revvity Omics, Revvity
Classification: Likely pathogenic for Macrocephaly, acquired, with impaired intellectual development. Last evaluated: 2020-12-10. Review status: criteria provided, single submitter. Criteria: ACMG Guidelines, 2015. Collection method: clinical testing. Allele origin: germline.

NM_001190737.2(NFIB):c.373_376del (p.Asp125fs)

Gene: NFIB (nuclear factor I B; minus strand). Cytogenetic location: 9p22.3.
Variant type: Deletion.
Coding change: c.373_376del on transcript NM_001190737.2 (MANE Select); coding-DNA positions 373 to 376, 4 bases deleted (GACA; older notation c.373_376delGACA).
Protein change: p.Asp125fs; shifts the reading frame from aspartic acid 125.
Molecular consequence: frameshift variant. On other transcripts: intron variant (3).
Genome position (GRCh38, 1-based): chr9:14,307,175-14,307,178, TGTC deleted on the plus strand (GACA on the coding strand, the reverse complement: NFIB is on the minus strand); deleting any 4 consecutive bases within chr9:14,307,175-14,307,180 gives the same sequence; the c. name uses the placement nearest the transcript's 3' end. VCF-style (leftmost placement, unchanged base first): chr9-14307174-TTGTC-T. GRCh37 (hg19) VCF-style: chr9-14307173-TTGTC-T.
Other names: c.451_454del, p.Asp151fs (NM_001190738.2); c.439_442del, p.Asp147fs (NM_001369458.1, NM_001369459.1, NM_001369462.1 and 1 more transcripts); c.361_364del, p.Asp121fs (NM_001369460.1, NM_001369463.1, NM_001369466.1 and 2 more transcripts); c.373_376del, p.Asp125fs (NM_001369461.1, NM_001369464.1, NM_001369471.1 and 3 more transcripts); c.346_349del, p.Asp116fs (NM_001369465.1, NM_001369467.1, NM_001369476.1); c.229_232del, p.Asp77fs (NM_001369469.1); c.373_376delGACA (NM_001190737.1); c.358_361del, p.Asp120fs (NM_001369474.1); and 2 more; short protein forms D116fs, D120fs, D121fs, D125fs, D147fs, D151fs, D77fs.
Identifiers: ClinVar variation 1324804 (VCV001324804.6), dbSNP rs2132702633, ClinGen allele CA2573053152.